The following is an entry in ClinVar:

ClinVar aggregate classification (germline): Likely benign (1 of 4 stars; one submission).

gnomAD v4.1: 4,425 of 1,601,334 alleles (0.28%); highest among the groups gnomAD compares: Non-Finnish European, 0.33%; 8 homozygotes.

Submission:

CeGaT Center for Human Genetics Tuebingen
Classification: Likely benign. Last evaluated: 2026-09-01. Review status: criteria provided, single submitter. Criteria: CeGaT Center For Human Genetics Tuebingen Variant Classification Criteria Version 2. Collection method: clinical testing. Allele origin: germline. Affected: yes. Observed: 5 variant alleles.
Comment: USP25: BP4, BP7

NM_001283041.3(USP25):c.592C>T (p.Leu198=)

Gene: USP25 (ubiquitin specific peptidase 25; plus strand). Cytogenetic location: 21q21.1.
Variant type: single nucleotide variant.
Coding change: c.592C>T on transcript NM_001283041.3 (MANE Select); coding-DNA position 592, C replaced by T.
Protein change: p.Leu198=; no amino-acid change (leucine 198 retained).
Molecular consequence: synonymous variant. On other transcripts: 5 prime UTR variant (6).
Genome position (GRCh38, 1-based): chr21:15,799,793, C>T. VCF-style: chr21-15799793-C-T. GRCh37 (hg19) VCF-style: chr21-17172112-C-T.
Other names: c.592C>T, p.Leu198= (NM_001283042.3, NM_013396.6); c.-72C>T (NM_001352560.2, NM_001388299.1); c.-745C>T (NM_001352561.2, NM_001388301.1, NM_001388302.1); c.-493C>T (NM_001388300.1).
Identifiers: ClinVar variation 4681288 (VCV004681288.5).